The following is an entry in ClinVar:

ClinVar aggregate classification (germline): Uncertain significance (1 of 4 stars; one submission).

Conditions:
Primary ciliary dyskinesia. Also called: Ciliary dyskinesia. Identifiers: Orphanet 244, MedGen C0008780, MONDO:0016575, HP:0012265.

Submission:

Labcorp Genetics (formerly Invitae), Labcorp
Classification: Uncertain significance for Primary ciliary dyskinesia. Last evaluated: 2017-03-25. Review status: criteria provided, single submitter. Criteria: Invitae Variant Classification Sherloc (09022015). Collection method: clinical testing. Allele origin: germline.
Comment: In summary, this variant is a novel missense change that is not predicted to affect protein function. There is no indication that it causes disease, but the available evidence is currently insufficient to prove that conclusively. Therefore, it has been classified as a Variant of Uncertain Significance. Algorithms developed to predict the effect of missense changes on protein structure and function output the following: SIFT: "Tolerated"; PolyPhen-2: "Benign"; Align-GVGD: "Class C0". The isoleucine amino acid residue is found in multiple mammalian species, suggesting that this missense change does not adversely affect protein function. These predictions have not been confirmed by published functional studies. This variant is not present in population databases (ExAC no frequency) and has not been reported in the literature in individuals with a DRC1-related disease. This sequence change replaces valine with isoleucine at codon 690 of the DRC1 protein (p.Val690Ile). The valine residue is moderately conserved and there is a small physicochemical difference between valine and isoleucine.

NM_145038.5(DRC1):c.2068G>A (p.Val690Ile)

Gene: DRC1 (dynein regulatory complex subunit 1; plus strand). Cytogenetic location: 2p23.3.
Variant type: single nucleotide variant.
Coding change: c.2068G>A on transcript NM_145038.5 (MANE Select); coding-DNA position 2068, G replaced by A.
Protein change: p.Val690Ile; replaces valine 690 with isoleucine.
Molecular consequence: missense variant.
Genome position (GRCh38, 1-based): chr2:26,455,135, G>A. VCF-style: chr2-26455135-G-A. GRCh37 (hg19) VCF-style: chr2-26678003-G-A.
Other names: short protein forms V690I.
Identifiers: ClinVar variation 454985 (VCV000454985.9), dbSNP rs1553345147, ClinGen allele CA346123025.
Genomic context (GRCh38, chr2:26,455,135, plus strand): 5'-TACTTGGCAGAGGATGGAGGATTCAGTGAGCCTCTAACCGATTTTTCTGTCCAAAGCCTT[G>A]TCCTGACCCAGAGGGCCAAGCTGCTGCTGGAAAACAGTTCTCTGGAGCAGCAGAACACAG-3'
Protein context (NP_659475.2, residues 680-700): LYTALEKYHL[Val690Ile]LTQRAKLLLE